The following is an entry in ClinVar:

NM_001077415.3(CRELD1):c.653G>A (p.Cys218Tyr)

Gene: CRELD1 (cysteine rich with EGF like domains 1; plus strand). Cytogenetic location: 3p25.3.
Variant type: single nucleotide variant.
Coding change: c.653G>A on transcript NM_001077415.3 (MANE Select); coding-DNA position 653, G replaced by A.
Protein change: p.Cys218Tyr; replaces cysteine 218 with tyrosine.
Molecular consequence: missense variant. On other transcripts: non-coding transcript variant (3).
Genome position (GRCh38, 1-based): chr3:9,941,126, G>A. VCF-style: chr3-9941126-G-A. GRCh37 (hg19) VCF-style: chr3-9982810-G-A.
Other names: c.653G>A, p.Cys218Tyr (NM_001031717.4, NM_001374316.1, NM_001374317.1 and 5 more transcripts); short protein forms C218Y.
Identifiers: ClinVar variation 3899208 (VCV003899208.1).
Genomic context (GRCh38, chr3:9,941,126, plus strand): 5'-GGGGCACCTGCCTGCCCATCCTCATGCTGCCCCCATTCCACCCAGCTTGTTTTGGCCCCT[G>A]TGCCCGATGCTCAGGACCTGAGGAATCAAACTGTTTGCAATGCAAGAAGGGCTGGGCCCT-3'
Protein context (NP_001070883.2, residues 208-228): HLVCSACFGP[Cys218Tyr]ARCSGPEESN

ClinVar aggregate classification (germline): Uncertain significance (1 of 4 stars; one submission).

Submission:

GeneDx
Classification: Uncertain significance. Last evaluated: 2024-11-12. Review status: criteria provided, single submitter. Criteria: GeneDx Variant Classification Process June 2021. Collection method: clinical testing. Allele origin: germline. Affected: yes.
Comment: Not observed at significant frequency in large population cohorts (gnomAD); In silico analysis supports that this missense variant has a deleterious effect on protein structure/function; Has not been previously published as pathogenic or benign to our knowledge